The following is an entry in ClinVar:

ClinVar aggregate classification (germline): Uncertain significance (1 of 4 stars; one submission).

Allele frequency attached by ClinVar (database versions not stated): TOPMed 0.00001.
gnomAD v4.1: 1 of 1,614,170 alleles (0.000062%); no homozygotes.

Submission:

Labcorp Genetics (formerly Invitae), Labcorp
Classification: Uncertain significance. Last evaluated: 2021-12-02. Review status: criteria provided, single submitter. Criteria: Invitae Variant Classification Sherloc (09022015). Collection method: clinical testing. Allele origin: germline.
Comment: This sequence change replaces alanine, which is neutral and non-polar, with glycine, which is neutral and non-polar, at codon 93 of the NDUFS6 protein (p.Ala93Gly). This variant is not present in population databases (gnomAD no frequency). This variant has not been reported in the literature in individuals affected with NDUFS6-related conditions. Algorithms developed to predict the effect of missense changes on protein structure and function are either unavailable or do not agree on the potential impact of this missense change (SIFT: "Tolerated"; PolyPhen-2: "Possibly Damaging"; Align-GVGD: "Class C0"). In summary, the available evidence is currently insufficient to determine the role of this variant in disease. Therefore, it has been classified as a Variant of Uncertain Significance.

NM_004553.6(NDUFS6):c.278C>G (p.Ala93Gly)

Gene: NDUFS6 (NADH:ubiquinone oxidoreductase subunit S6; plus strand). Cytogenetic location: 5p15.33.
Variant type: single nucleotide variant.
Coding change: c.278C>G on transcript NM_004553.6 (MANE Select); coding-DNA position 278, C replaced by G.
Protein change: p.Ala93Gly; replaces alanine 93 with glycine.
Molecular consequence: missense variant.
Genome position (GRCh38, 1-based): chr5:1,814,430, C>G. VCF-style: chr5-1814430-C-G. GRCh37 (hg19) VCF-style: chr5-1814544-C-G.
Other names: short protein forms A93G.
Identifiers: ClinVar variation 1464509 (VCV001464509.6), dbSNP rs1314643534, ClinGen allele CA359089182.